The following is an entry in ClinVar:

NM_001349798.2(FBXW7):c.339G>T (p.Glu113Asp)

Gene: FBXW7 (F-box and WD repeat domain containing 7; minus strand). Cytogenetic location: 4q31.3.
Variant type: single nucleotide variant.
Coding change: c.339G>T on transcript NM_001349798.2 (MANE Select); coding-DNA position 339, G replaced by T.
Protein change: p.Glu113Asp; replaces glutamic acid 113 with aspartic acid.
Molecular consequence: missense variant.
Genome position (GRCh38, 1-based): chr4:152,411,465, C>A on the plus strand (G>T on the coding strand, the complement: FBXW7 is on the minus strand). VCF-style: chr4-152411465-C-A. GRCh37 (hg19) VCF-style: chr4-153332617-C-A.
Other names: c.339G>T, p.Glu113Asp (NM_001257069.1, NM_033632.3); short protein forms E113D.
Identifiers: ClinVar variation 3631221 (VCV003631221.2).

ClinVar aggregate classification (germline): Uncertain significance (1 of 4 stars; one submission).

gnomAD v4.1: 4 of 1,613,196 alleles (0.00025%); highest among the groups gnomAD compares: East Asian, 0.0067%; no homozygotes.

Submission:

Labcorp Genetics (formerly Invitae), Labcorp
Classification: Uncertain significance. Last evaluated: 2024-07-23. Review status: criteria provided, single submitter. Criteria: Invitae Variant Classification Sherloc (09022015). Collection method: clinical testing. Allele origin: germline.
Comment: This sequence change replaces glutamic acid, which is acidic and polar, with aspartic acid, which is acidic and polar, at codon 113 of the FBXW7 protein (p.Glu113Asp). This variant is present in population databases (rs769623850, gnomAD 0.03%). This variant has not been reported in the literature in individuals affected with FBXW7-related conditions. Experimental studies and prediction algorithms are not available or were not evaluated, and the functional significance of this variant is currently unknown. In summary, the available evidence is currently insufficient to determine the role of this variant in disease. Therefore, it has been classified as a Variant of Uncertain Significance.